The following is an entry in ClinVar:

ClinVar aggregate classification (germline): Likely benign (1 of 4 stars; one submission).

Allele frequency attached by ClinVar (database versions not stated): 1000 Genomes Project 30x 0.00328; 1000 Genomes Project 0.00359; ESP Exome Variant Server 0.00443; TOPMed 0.00496.
gnomAD v4.1: 6,053 of 1,525,860 alleles (0.4%); highest among the groups gnomAD compares: Middle Eastern, 0.72%; 50 homozygotes.

Submission:

CeGaT Center for Human Genetics Tuebingen
Classification: Likely benign. Last evaluated: 2023-01-01. Review status: criteria provided, single submitter. Criteria: CeGaT Center For Human Genetics Tuebingen Variant Classification Criteria Version 2. Collection method: clinical testing. Allele origin: germline. Affected: yes. Observed: 1 variant allele.
Comment: PKP3: BP4, BP7, BS2

NM_007183.4(PKP3):c.1758G>T (p.Ala586=)

Gene: PKP3 (plakophilin 3; plus strand). Cytogenetic location: 11p15.5.
Variant type: single nucleotide variant.
Coding change: c.1758G>T on transcript NM_007183.4 (MANE Select); coding-DNA position 1758, G replaced by T.
Protein change: p.Ala586=; no amino-acid change (alanine 586 retained).
Molecular consequence: synonymous variant.
Genome position (GRCh38, 1-based): chr11:403,098, G>T. VCF-style: chr11-403098-G-T. GRCh37 (hg19) VCF-style: chr11-403098-G-T.
Other names: c.1803G>T, p.Ala601= (NM_001303029.2).
Identifiers: ClinVar variation 2641047 (VCV002641047.24), dbSNP rs377458542, ClinGen allele CA5775965.